The following is an entry in ClinVar:

ClinVar aggregate classification (germline): Uncertain significance. Review status: criteria provided, multiple submitters, no conflicts (2 of 4 stars). 3 submissions from 3 submitters: Uncertain significance (3). Last evaluated 2023-09-28.

Conditions:
Hereditary sensory and autonomic neuropathy type 1 (HSAN1). Also called: HSN Type I; Hereditary Sensory Neuropathy Type I; HSAN 1. Identifiers: Orphanet 36386, MedGen C0020071, MONDO:0018213.
Inborn genetic diseases. Identifiers: MedGen C0950123, MeSH D030342.
Charcot-Marie-Tooth disease. Also called: Charcot-Marie-Tooth Neuropathy; Charcot-Marie-Tooth Hereditary Neuropathy. Identifiers: Orphanet 166, MedGen C0007959, MONDO:0015626.

Submissions (3):

Ambry Genetics
Classification: Uncertain significance for Inborn genetic diseases. Last evaluated: 2023-09-28. Review status: criteria provided, single submitter. Criteria: Ambry Variant Classification Scheme 2023. Collection method: clinical testing. Allele origin: germline.
Comment: The c.1305_1307delAGA (p.E436del) alteration is located in exon 14 (coding exon 14) of the SPTLC1 gene. This alteration consists of an in-frame deletion of 3 nucleotides between nucleotide positions c.1305 and c.1307, resulting in the deletion of <NA> residues. Based on insufficient or conflicting evidence, the clinical significance of this alteration remains unclear.

Labcorp Genetics (formerly Invitae), Labcorp
Classification: Uncertain significance for Hereditary sensory and autonomic neuropathy type 1. Last evaluated: 2023-07-28. Review status: criteria provided, single submitter. Criteria: Invitae Variant Classification Sherloc (09022015). Collection method: clinical testing. Allele origin: germline.
Comment: This variant, c.1305_1307del, results in the deletion of 1 amino acid(s) of the SPTLC1 protein (p.Glu436del), but otherwise preserves the integrity of the reading frame. In summary, the available evidence is currently insufficient to determine the role of this variant in disease. Therefore, it has been classified as a Variant of Uncertain Significance. Experimental studies and prediction algorithms are not available or were not evaluated, and the functional significance of this variant is currently unknown. ClinVar contains an entry for this variant (Variation ID: 917297). This variant has been observed in individual(s) with clinical features of Charcot-Marie-Tooth disease (PMID: 32376792). This variant is present in population databases (rs777170186, gnomAD 0.003%).

Molecular Genetics Laboratory, London Health Sciences Centre
Classification: Uncertain significance for Charcot-Marie-Tooth disease. Review status: criteria provided, single submitter. Criteria: ACMG Guidelines, 2015. Collection method: clinical testing. Allele origin: germline. Affected: yes.

Literature cited by the submitters: PubMed 32376792 (cited by Labcorp Genetics (formerly Invitae), Labcorp).

NM_006415.4(SPTLC1):c.1302AGA[1] (p.Glu436del)

Gene: SPTLC1 (serine palmitoyltransferase long chain base subunit 1; minus strand). Cytogenetic location: 9q22.31.
Variant type: Microsatellite.
Coding change: c.1302AGA[1] on transcript NM_006415.4 (MANE Select); one copy of the 3-base unit AGA starting at c.1302; the reference has two copies in a row; one copy, 3 bases deleted.
Protein change: p.Glu436del; deletes glutamic acid 436.
Molecular consequence: inframe deletion.
Genome position (GRCh38, 1-based): chr9:92,034,831-92,034,833, TCT deleted on the plus strand (AGA on the coding strand, the reverse complement: SPTLC1 is on the minus strand); deleting any 3 consecutive bases within chr9:92,034,831-92,034,837 gives the same sequence; the position shown is the placement nearest the transcript's 3' end. VCF-style (leftmost placement, unchanged base first): chr9-92034830-CTCT-C. GRCh37 (hg19) VCF-style: chr9-94797112-CTCT-C.
Other names: c.1302AGA[1], p.Glu436del (NM_001281303.2); c.936AGA[1], p.Glu314del (NM_001368272.1); c.837AGA[1], p.Glu281del (NM_001368273.1); c.1305_1307delAGA (NM_006415.2); short protein forms E314del, E436del, E281del.
Identifiers: ClinVar variation 917297 (VCV000917297.5), dbSNP rs777170186, ClinGen allele CA5121238.